The following is an entry in ClinVar:

ClinVar aggregate classification (germline): Likely benign. Review status: criteria provided, multiple submitters, no conflicts (2 of 4 stars). 3 submissions from 3 submitters: Likely benign (3). Last evaluated 2025-10-07.

Conditions:
Familial hemiplegic migraine. Identifiers: MedGen C0338484, MONDO:0000700.

Allele frequency attached by ClinVar (database versions not stated): gnomAD exomes 0.00002 and 0.00006; ExAC 0.00005; ESP Exome Variant Server 0.00015; 1000 Genomes Project 30x 0.00016; 1000 Genomes Project 0.00020; gnomAD 0.00022 and 0.00025; TOPMed 0.00034.
gnomAD v4.1: 75 of 1,614,184 alleles (0.0046%); highest among the groups gnomAD compares: African/African-American, 0.075%; no homozygotes.

Submissions (3):

Labcorp Genetics (formerly Invitae), Labcorp
Classification: Likely benign for Familial hemiplegic migraine. Last evaluated: 2025-10-07. Review status: criteria provided, single submitter. Criteria: Invitae Variant Classification Sherloc (09022015). Collection method: clinical testing. Allele origin: germline.

Blueprint Genetics
Classification: Likely benign. Last evaluated: 2022-09-15. Review status: criteria provided, single submitter. Criteria: ACMG Guidelines, 2015. Collection method: clinical testing. Allele origin: germline.

GeneDx
Classification: Likely benign. Last evaluated: 2016-08-08. Review status: criteria provided, single submitter. Criteria: GeneDx Variant Classification (06012015). Collection method: clinical testing. Allele origin: germline. Affected: yes.
Comment: This variant is considered likely benign or benign based on one or more of the following criteria: it is a conservative change, it occurs at a poorly conserved position in the protein, it is predicted to be benign by multiple in silico algorithms, and/or has population frequency not consistent with disease.

NM_000702.4(ATP1A2):c.1964+14A>G

Gene: ATP1A2 (ATPase Na+/K+ transporting subunit alpha 2; plus strand). Cytogenetic location: 1q23.2.
Variant type: single nucleotide variant.
Coding change: c.1964+14A>G on transcript NM_000702.4 (MANE Select); 14 bases into the intron after coding-DNA position 1964, A replaced by G.
Molecular consequence: intron variant.
Genome position (GRCh38, 1-based): chr1:160,134,634, A>G. VCF-style: chr1-160134634-A-G. GRCh37 (hg19) VCF-style: chr1-160104424-A-G.
Identifiers: ClinVar variation 388425 (VCV000388425.10), dbSNP rs201131020, ClinGen allele CA1194617.